The following is an entry in ClinVar:

NM_007294.4(BRCA1):c.1412dup (p.Asn473fs)

Gene: BRCA1 (BRCA1 DNA repair associated; minus strand). Cytogenetic location: 17q21.31.
Variant type: Duplication.
Coding change: c.1412dup on transcript NM_007294.4 (MANE Select); coding-DNA position 1412, one base duplicated (T; older notation c.1412dupT).
Protein change: p.Asn473fs; shifts the reading frame from asparagine 473.
Molecular consequence: frameshift variant. On other transcripts: intron variant (137).
Genome position (GRCh38, 1-based): chr17:43,094,119, A duplicated on the plus strand (T on the coding strand, the reverse complement: BRCA1 is on the minus strand). VCF-style (leftmost placement, unchanged base first): chr17-43094118-G-GA. GRCh37 (hg19) VCF-style: chr17-41246135-G-GA.
Other names: 1531insT; c.661+625dup (NM_001408448.1, NM_001408445.1, NM_001408432.1 and 6 more transcripts); c.667+1727dup (NM_001408421.1, NM_001408431.1, NM_001408424.1); c.784+625dup (NM_001407991.1, NM_001408407.1, NM_001408402.1 and 13 more transcripts); c.664+625dup (NM_001408427.1, NM_001408443.1, NM_001408439.1 and 12 more transcripts); c.523+625dup (NM_001408496.1, NM_001408499.1, NM_001408498.1 and 3 more transcripts); c.646+625dup (NM_001408460.1, NM_001408454.1, NM_001408456.1 and 11 more transcripts); c.706+625dup (NM_001408413.1, NM_001408416.1); and 41 more; short protein forms N473fs, N426fs, N177fs, N305fs, N345fs, N362fs, N346fs, N384fs.
Identifiers: ClinVar variation 266166 (VCV000266166.6), dbSNP rs886039951, ClinGen allele CA10589939.
Genomic context (GRCh38, chr17:43,094,118, plus strand): 5'-CTGTGGCTCAGTAACAAATGCTCCTATAATTAGATTTTCAGTTACATGGCTTAAGTTGGG[G>GA]AGGCTTGCCTTCTTCCGATAGGTTTTCCCAAATATTTTGTCTTCAATATTACTCTCTACT-3'

ClinVar aggregate classification (germline): Pathogenic. Review status: reviewed by expert panel (3 of 4 stars). 2 submissions from 2 submitters: Pathogenic (1). 1 of the submissions does not count toward it. Last evaluated 2016-10-18.

Conditions:
Breast-ovarian cancer, familial, susceptibility to, 1 (BROVCA1). Also called: BRCA1 Hereditary Breast and Ovarian Cancer; OVARIAN CANCER, SUSCEPTIBILITY TO. Identifiers: Orphanet 145, MedGen C2676676, MONDO:0011450, OMIM 604370. Disease mechanism: loss of function.

Submissions (2):

Evidence-based Network for the Interpretation of Germline Mutant Alleles (ENIGMA)
Classification: Pathogenic for Breast-ovarian cancer, familial, susceptibility to, 1. Last evaluated: 2016-10-18. Review status: reviewed by expert panel. Criteria: ENIGMA BRCA1/2 Classification Criteria (2015). Collection method: curation. Allele origin: germline.
Comment: Variant allele predicted to encode a truncated non-functional protein.

Consortium of Investigators of Modifiers of BRCA1/2 (CIMBA), c/o University of Cambridge
Classification: Pathogenic for Breast-ovarian cancer, familial, susceptibility to, 1. Last evaluated: 2015-10-02. Review status: criteria provided, single submitter. Criteria: CIMBA Mutation Classification guidelines May 2016. Collection method: clinical testing. Allele origin: germline. Not counted in ClinVar's aggregate classification.